The following is an entry in ClinVar:

ClinVar aggregate classification (germline): Uncertain significance. Review status: criteria provided, multiple submitters, no conflicts (2 of 4 stars). 2 submissions from 2 submitters: Uncertain significance (2). Last evaluated 2023-07-09.

Conditions:
Gordon syndrome (DA3). Also called: ARTHROGRYPOSIS MULTIPLEX CONGENITA, DISTAL, TYPE IIA; CAMPTODACTYLY, CLEFT PALATE, AND CLUBFOOT; Gordon's syndrome. Identifiers: Orphanet 376, MedGen C0220666, MONDO:0007252, OMIM 114300.

gnomAD v4.1: 5 of 1,537,242 alleles (0.00033%); highest among the groups gnomAD compares: South Asian, 0.0024%; no homozygotes.

Submissions (2):

Kariminejad - Najmabadi Pathology & Genetics Center
Classification: Uncertain significance for Gordon syndrome. Last evaluated: 2023-07-09. Review status: criteria provided, single submitter. Criteria: ACMG Guidelines, 2015. Collection method: clinical testing. Allele origin: germline. Inheritance: Autosomal dominant inheritance. Affected: yes.
Comment: PM2 PP3

Blueprint Genetics
Classification: Uncertain significance. Last evaluated: 2020-02-27. Review status: criteria provided, single submitter. Criteria: ACMG Guidelines, 2015. Collection method: clinical testing. Allele origin: germline.

NM_001378183.1(PIEZO2):c.2570T>C (p.Leu857Pro)

Gene: PIEZO2 (piezo type mechanosensitive ion channel component 2; minus strand). Cytogenetic location: 18p11.22.
Variant type: single nucleotide variant.
Coding change: c.2570T>C on transcript NM_001378183.1 (MANE Select); coding-DNA position 2570, T replaced by C.
Protein change: p.Leu857Pro; replaces leucine 857 with proline.
Molecular consequence: missense variant.
Genome position (GRCh38, 1-based): chr18:10,773,627, A>G on the plus strand (T>C on the coding strand, the complement: PIEZO2 is on the minus strand). VCF-style: chr18-10773627-A-G. GRCh37 (hg19) VCF-style: chr18-10773625-A-G.
Other names: c.2570T>C, p.Leu857Pro (NM_001410871.1); c.2495T>C, p.Leu832Pro (NM_022068.4); short protein forms L832P, L857P.
Identifiers: ClinVar variation 3896942 (VCV003896942.2).
Genomic context (GRCh38, chr18:10,773,627, plus strand): 5'-TCCAGGCTGGCAGTCAGATGCATCATGGTGAGGTCCGGGAGGCTTCCTTCCGGGTGGGCC[A>G]GTCTGTTGGCAGAGAGCAGCTGAGTCAGAAGAGGAAAGGGTGTTGGGAGAGATTTGACTG-3'
Protein context (NP_001365112.1, residues 847-867): KKKLPIHQNE[Leu857Pro]AHPEGSLPDL